The following is an entry in ClinVar:

NM_001267550.2(TTN):c.54381+1G>A

Genes: TTN-AS1 (TTN antisense RNA 1; plus strand), TTN (titin; minus strand). Cytogenetic location: 2q31.2.
Variant type: single nucleotide variant.
Coding change: c.54381+1G>A on transcript NM_001267550.2 (MANE Select); the canonical splice donor site of the intron after coding-DNA position 54381, G replaced by A.
Molecular consequence: splice donor variant.
Genome position (GRCh38, 1-based): chr2:178,604,707, C>T on the plus strand (G>A on the coding strand, the complement: TTN is on the minus strand). VCF-style: chr2-178604707-C-T. GRCh37 (hg19) VCF-style: chr2-179469434-C-T.
Other names: c.27186+1G>A (NM_003319.4); c.27762+1G>A (NM_133437.4); c.27561+1G>A (NM_133432.3); c.46677+1G>A (NM_133378.4); c.49458+1G>A (NM_001256850.1).
Identifiers: ClinVar variation 4783965 (VCV004783965.1).

ClinVar aggregate classification (germline): Likely pathogenic (1 of 4 stars; one submission).

Conditions:
Dilated cardiomyopathy 1G (CMD1G). Identifiers: Orphanet 154, MedGen C1858763, MONDO:0011400, OMIM 604145.
Autosomal recessive limb-girdle muscular dystrophy type 2J (LGMDR10). Also called: Limb-girdle muscular dystrophy, type 2J; MUSCULAR DYSTROPHY, LIMB-GIRDLE, AUTOSOMAL RECESSIVE 10. Identifiers: Orphanet 140922, MedGen C1837342, MONDO:0012127, OMIM 608807.

Submission:

Labcorp Genetics (formerly Invitae), Labcorp
Classification: Likely pathogenic for Dilated cardiomyopathy 1G; Autosomal recessive limb-girdle muscular dystrophy type 2J. Last evaluated: 2025-07-27. Review status: criteria provided, single submitter. Criteria: Invitae Variant Classification Sherloc (09022015). Collection method: clinical testing. Allele origin: germline.
Comment: This sequence change affects a donor splice site in intron 281 of the TTN gene. It is expected to disrupt RNA splicing and likely results in a truncated or disrupted TTN protein. This variant is not present in population databases (gnomAD no frequency). This variant has not been reported in the literature in individuals affected with TTN-related conditions. Algorithms developed to predict the effect of sequence changes on RNA splicing suggest that this variant may disrupt the consensus splice site. This variant is located in the A band of TTN (PMID: 25589632). Truncating variants in this region are significantly overrepresented in patients affected with dilated cardiomyopathy (PMID: 25589632). Truncating variants in this region have also been reported in individuals affected with autosomal recessive centronuclear myopathy (PMID: 23975875). In summary, the currently available evidence indicates that the variant is pathogenic, but additional data are needed to prove that conclusively. Therefore, this variant has been classified as Likely Pathogenic.

Literature cited by the submitters: PubMed 25589632; PubMed 23975875.